The following is an entry in ClinVar:

NM_001365999.1(SZT2):c.9155G>A (p.Arg3052His)

Gene: SZT2 (SZT2 subunit of KICSTOR complex; plus strand). Cytogenetic location: 1p34.2.
Variant type: single nucleotide variant.
Coding change: c.9155G>A on transcript NM_001365999.1 (MANE Select); coding-DNA position 9155, G replaced by A.
Protein change: p.Arg3052His; replaces arginine 3052 with histidine.
Molecular consequence: missense variant.
Genome position (GRCh38, 1-based): chr1:43,447,037, G>A. VCF-style: chr1-43447037-G-A. GRCh37 (hg19) VCF-style: chr1-43912708-G-A.
Other names: c.8984G>A, p.Arg2995His (NM_015284.4); c.596G>A, p.Arg199His (NM_024547.1); short protein forms R2995H, R3052H, R199H.
Identifiers: ClinVar variation 2178857 (VCV002178857.4), dbSNP rs1359519764, ClinGen allele CA340042389.

ClinVar aggregate classification (germline): Uncertain significance (1 of 4 stars; one submission).

Allele frequency attached by ClinVar (database versions not stated): gnomAD exomes 0.00001; TOPMed 0.00002.
gnomAD v4.1: 9 of 1,613,820 alleles (0.00056%); highest among the groups gnomAD compares: South Asian, 0.0022%; no homozygotes.

Submission:

Labcorp Genetics (formerly Invitae), Labcorp
Classification: Uncertain significance. Last evaluated: 2024-10-24. Review status: criteria provided, single submitter. Criteria: Invitae Variant Classification Sherloc (09022015). Collection method: clinical testing. Allele origin: germline.
Comment: This sequence change replaces arginine, which is basic and polar, with histidine, which is basic and polar, at codon 2995 of the SZT2 protein (p.Arg2995His). This variant is not present in population databases (gnomAD no frequency). This variant has not been reported in the literature in individuals affected with SZT2-related conditions. ClinVar contains an entry for this variant (Variation ID: 2178857). Invitae Evidence Modeling of protein sequence and biophysical properties (such as structural, functional, and spatial information, amino acid conservation, physicochemical variation, residue mobility, and thermodynamic stability) indicates that this missense variant is expected to disrupt SZT2 protein function with a positive predictive value of 80%. In summary, the available evidence is currently insufficient to determine the role of this variant in disease. Therefore, it has been classified as a Variant of Uncertain Significance.